The following is an entry in ClinVar:

ClinVar aggregate classification (germline): Uncertain significance (1 of 4 stars; one submission).

Conditions:
Myofibrillar myopathy 10. Identifiers: MedGen C5436656, MONDO:0033620, OMIM 619040.

Submission:

OLLIN Analises Genomicas, OLLIN
Classification: Uncertain significance for Myofibrillar myopathy 10. Last evaluated: 2026-08-06. Review status: criteria provided, single submitter. Criteria: ACMG Guidelines 2015 PMID 25741868. Collection method: clinical testing. Allele origin: germline.
Comment: This frameshift variant, located in exon 36 (of 38), has been observed in gnomAD with an allele frequency of 0.00031%, but has not been reported in ClinVar or identified in the literature. This variant causes a frameshift and introduces a premature stop codon, which is predicted to result in either a truncated protein or degradation of the mRNA via nonsense-mediated decay (NMD). According to the currently available evidence, this variant has been classified as uncertain significance (PVS1_M, PM2_P).

NM_021738.3(SVIL):c.6284dup (p.Asn2095fs)

Genes: SVIL (supervillin; minus strand), SVIL-AS1 (SVIL antisense RNA 1; plus strand). Cytogenetic location: 10p11.23.
Variant type: Duplication.
Coding change: c.6284dup on transcript NM_021738.3 (MANE Select); coding-DNA position 6284, one base duplicated (A; older notation c.6284dupA).
Protein change: p.Asn2095fs; shifts the reading frame from asparagine 2095.
Molecular consequence: frameshift variant.
Genome position (GRCh38, 1-based): chr10:29,462,395, T duplicated on the plus strand (A on the coding strand, the reverse complement: SVIL is on the minus strand); the first of 6 consecutive T bases (chr10:29,462,395-29,462,400); duplicating any one gives the same sequence. VCF-style (leftmost placement, unchanged base first): chr10-29462394-A-AT. GRCh37 (hg19) VCF-style: chr10-29751323-A-AT.
Other names: c.5354dup, p.Asn1785fs (NM_001323599.2); c.5102dup, p.Asn1701fs (NM_001323600.1); c.5006dup, p.Asn1669fs (NM_003174.3); short protein forms N1785fs, N1669fs, N1701fs, N2095fs.
Identifiers: ClinVar variation 5002659 (VCV005002659.1).